The following is an entry in ClinVar:

NM_000078.3(CETP):c.460C>T (p.Arg154Trp)

Gene: CETP (cholesteryl ester transfer protein; plus strand). Cytogenetic location: 16q13.
Variant type: single nucleotide variant.
Coding change: c.460C>T on transcript NM_000078.3 (MANE Select); coding-DNA position 460, C replaced by T.
Protein change: p.Arg154Trp; replaces arginine 154 with tryptophan.
Molecular consequence: missense variant.
Genome position (GRCh38, 1-based): chr16:56,969,934, C>T. VCF-style: chr16-56969934-C-T. GRCh37 (hg19) VCF-style: chr16-57003846-C-T.
Other names: c.460C>T, p.Arg154Trp (NM_001286085.2); short protein forms R154W.
Identifiers: ClinVar variation 319978 (VCV000319978.16), dbSNP rs34716057, ClinGen allele CA8070942.
Genomic context (GRCh38, chr16:56,969,934, plus strand): 5'-AGCGGAGGCTGCCCTGAGGTCATGTCGGGTCTCCCTGCAGCCTGTGACTCTGGTAGAGTG[C>T]GGACCGATGCCCCTGACTGCTACCTGTCTTTCCATAAGCTGCTCCTGCATCTCCAAGGGG-3'
Protein context (NP_000069.2, residues 144-164): TQLTCDSGRV[Arg154Trp]TDAPDCYLSF

ClinVar aggregate classification (germline): Benign/Likely benign. Review status: criteria provided, multiple submitters, no conflicts (2 of 4 stars). 5 submissions from 5 submitters: Benign (2); Likely benign (3). Last evaluated 2026-02-02.

Conditions:
Hyperalphalipoproteinemia 1 (HALP1). Also called: CETP-Related Hyperalphalipoproteinemia; CETP DEFICIENCY. Identifiers: MedGen C3149462, OMIM 143470.

Allele frequency attached by ClinVar (database versions not stated): gnomAD 0.00764; 1000 Genomes Project 0.00819; TOPMed 0.00835; ESP Exome Variant Server 0.00908; 1000 Genomes Project 30x 0.00953.

Submissions (5):

Labcorp Genetics (formerly Invitae), Labcorp
Classification: Benign. Last evaluated: 2026-02-02. Review status: criteria provided, single submitter. Criteria: Invitae Variant Classification Sherloc (09022015). Collection method: clinical testing. Allele origin: germline.

Fulgent Genetics
Classification: Likely benign for Hyperalphalipoproteinemia 1. Last evaluated: 2021-10-04. Review status: criteria provided, single submitter. Criteria: ACMG Guidelines, 2015. Collection method: clinical testing. Allele origin: unknown.

GeneDx
Classification: Likely benign. Last evaluated: 2020-07-19. Review status: criteria provided, single submitter. Criteria: GeneDx Variant Classification Process June 2021. Collection method: clinical testing. Allele origin: germline. Affected: yes.

Illumina Laboratory Services, Illumina
Classification: Benign for Hyperalphalipoproteinemia 1. Last evaluated: 2018-01-12. Review status: criteria provided, single submitter. Criteria: ICSL Variant Classification Criteria 13 December 2019. Collection method: clinical testing. Allele origin: germline.
Comment: This variant was observed in the ICSL laboratory as part of a predisposition screen in an ostensibly healthy population. It had not been previously curated by ICSL or reported in the Human Gene Mutation Database (HGMD: prior to June 1st, 2018), and was therefore a candidate for classification through an automated scoring system. Utilizing variant allele frequency, disease prevalence and penetrance estimates, and inheritance mode, an automated score was calculated to assess if this variant is too frequent to cause the disease. Based on the score and internal cut-off values, a variant classified as benign is not then subjected to further curation. The score for this variant resulted in a classification of benign for this disease.

Breakthrough Genomics
Classification: Likely benign. Review status: criteria provided, single submitter. Criteria: ACMG Guidelines, 2015. Collection method: not provided. Allele origin: germline. Inheritance: Autosomal dominant inheritance. Affected: yes.